The following is an entry in ClinVar:

ClinVar aggregate classification (germline): Pathogenic (1 of 4 stars; one submission).

Conditions:
Hereditary cancer-predisposing syndrome. Also called: Hereditary Cancer Syndrome; Hereditary neoplastic syndrome; Neoplastic Syndromes, Hereditary; Tumor predisposition. Identifiers: Orphanet 140162, MedGen C0027672, MeSH D009386, MONDO:0015356.

Allele frequency attached by ClinVar (database versions not stated): TOPMed below 0.00001.

Submission:

Ambry Genetics
Classification: Pathogenic for Hereditary cancer-predisposing syndrome. Last evaluated: 2024-12-19. Review status: criteria provided, single submitter. Criteria: Ambry Variant Classification Scheme 2023. Collection method: clinical testing. Allele origin: germline.
Comment: The p.E183* pathogenic mutation (also known as c.547G>T), located in coding exon 3 of the PHOX2B gene, results from a G to T substitution at nucleotide position 547. This changes the amino acid from a glutamic acid to a stop codon within coding exon 3. This alteration occurs at the 3' terminus of thePHOX2B gene, is not expected to trigger nonsense-mediated mRNA decay, and only impacts the last 42% of the protein. However, premature stop codons are typically deleterious in nature and the impacted region is critical for protein function (Ambry internal data). This alteration has been reported in a child with congenital central hypoventilation syndrome (Kasi AS et al. J Clin Sleep Med, 2021 Oct;17:2049-2055). This variant is considered to be rare based on population cohorts in the Genome Aggregation Database (gnomAD). Based on the supporting evidence, this alteration is interpreted as a disease-causing mutation.

Literature cited by the submitters: PubMed 33983112.

NM_003924.4(PHOX2B):c.547G>T (p.Glu183Ter)

Gene: PHOX2B (paired like homeobox 2B; minus strand). Cytogenetic location: 4p13.
Variant type: single nucleotide variant.
Coding change: c.547G>T on transcript NM_003924.4 (MANE Select); coding-DNA position 547, G replaced by T.
Protein change: p.Glu183Ter; replaces glutamic acid 183 with a stop codon.
Molecular consequence: nonsense.
Genome position (GRCh38, 1-based): chr4:41,746,205, C>A on the plus strand (G>T on the coding strand, the complement: PHOX2B is on the minus strand). VCF-style: chr4-41746205-C-A. GRCh37 (hg19) VCF-style: chr4-41748222-C-A.
Other names: short protein forms E183*.
Identifiers: ClinVar variation 1747796 (VCV001747796.3), dbSNP rs1733894573, ClinGen allele CA356738201.
Genomic context (GRCh38, chr4:41,746,205, plus strand): 5'-TGGGATTGGGACCTGGGCCCCCAGTGCTGTCCGGGTCAGTGCTCTTGGCCTCTTTGCTCT[C>A]GTCGTCCCTGGAAGAGTCAGACTTTTTGCCCGAGGAGCCGTTCTTGGCCGCGGCCGCTGC-3'